The following is an entry in ClinVar:

ClinVar aggregate classification (germline): Pathogenic (1 of 4 stars; one submission).

Conditions:
Usher syndrome type 1 (USH1). Also called: RETINITIS PIGMENTOSA AND CONGENITAL DEAFNESS. Identifiers: Orphanet 231169, Orphanet 886, MedGen C1568247, MONDO:0010168, OMIM 276900.

Submission:

Myriad Genetics, Inc.
Classification: Pathogenic for Usher syndrome type 1. Last evaluated: 2024-07-26. Review status: criteria provided, single submitter. Criteria: Myriad Autosomal Dominant, Autosomal Recessive and X-Linked Classification Criteria (2023). Collection method: clinical testing. Allele origin: unknown.
Comment: NM_000260.3(MYO7A):c.3979G>T(E1327*) is expected to be pathogenic in the context of MYO7A-related disorders. This variant is predicted to lead to an abnormal or absent protein product due to the creation of a premature termination codon in MYO7A, a gene where loss-of-function variants are known to be pathogenic. Please note: this variant was assessed in the context of healthy population screening.

NM_000260.4(MYO7A):c.3979G>T (p.Glu1327Ter)

Gene: MYO7A (myosin VIIA; plus strand). Cytogenetic location: 11q13.5.
Variant type: single nucleotide variant.
Coding change: c.3979G>T on transcript NM_000260.4 (MANE Select); coding-DNA position 3979, G replaced by T.
Protein change: p.Glu1327Ter; replaces glutamic acid 1327 with a stop codon.
Molecular consequence: nonsense.
Genome position (GRCh38, 1-based): chr11:77,192,105, G>T. VCF-style: chr11-77192105-G-T. GRCh37 (hg19) VCF-style: chr11-76903150-G-T.
Other names: c.3979G>T, p.Glu1327Ter (NM_001127180.2); c.3946G>T, p.Glu1316Ter (NM_001369365.1); short protein forms E1316*, E1327*.
Identifiers: ClinVar variation 5013374 (VCV005013374.1).